The following is an entry in ClinVar:

NM_001605.3(AARS1):c.2092T>A (p.Ser698Thr)

Gene: AARS1 (alanyl-tRNA synthetase 1; minus strand). Cytogenetic location: 16q22.1.
Variant type: single nucleotide variant.
Coding change: c.2092T>A on transcript NM_001605.3 (MANE Select); coding-DNA position 2092, T replaced by A.
Protein change: p.Ser698Thr; replaces serine 698 with threonine.
Molecular consequence: missense variant.
Genome position (GRCh38, 1-based): chr16:70,258,118, A>T on the plus strand (T>A on the coding strand, the complement: AARS1 is on the minus strand). VCF-style: chr16-70258118-A-T. GRCh37 (hg19) VCF-style: chr16-70292021-A-T.
Other names: short protein forms S698T.
Identifiers: ClinVar variation 840699 (VCV000840699.9), dbSNP rs374062105, ClinGen allele CA283429429.

ClinVar aggregate classification (germline): Uncertain significance (1 of 4 stars; one submission).

Conditions:
Charcot-Marie-Tooth disease type 2. Also called: Charcot-Marie-Tooth type 2. Identifiers: Orphanet 64746, MedGen C0270914, MONDO:0018993.

Allele frequency attached by ClinVar (database versions not stated): TOPMed 0.00001; ESP Exome Variant Server 0.00008.

Submission:

Labcorp Genetics (formerly Invitae), Labcorp
Classification: Uncertain significance for Charcot-Marie-Tooth disease type 2. Last evaluated: 2022-07-12. Review status: criteria provided, single submitter. Criteria: Invitae Variant Classification Sherloc (09022015). Collection method: clinical testing. Allele origin: germline.
Comment: ClinVar contains an entry for this variant (Variation ID: 840699). This variant is not present in population databases (gnomAD no frequency). This variant has not been reported in the literature in individuals affected with AARS-related conditions. In summary, the available evidence is currently insufficient to determine the role of this variant in disease. Therefore, it has been classified as a Variant of Uncertain Significance. Algorithms developed to predict the effect of missense changes on protein structure and function are either unavailable or do not agree on the potential impact of this missense change (SIFT: "Deleterious"; PolyPhen-2: "Probably Damaging"; Align-GVGD: "Class C0"). This sequence change replaces serine, which is neutral and polar, with threonine, which is neutral and polar, at codon 698 of the AARS protein (p.Ser698Thr).